The following is an entry in ClinVar:

NM_015474.4(SAMHD1):c.413_439dup (p.Tyr146_Ile147insThrProGlnPheGlnArgLeuArgTyr)

Gene: SAMHD1 (SAM and HD domain containing deoxynucleoside triphosphate triphosphohydrolase 1; minus strand). Cytogenetic location: 20q11.23.
Variant type: Duplication.
Coding change: c.413_439dup on transcript NM_015474.4 (MANE Select); coding-DNA positions 413 to 439, 27 bases duplicated (CACCTCAATTTCAACGTCTTCGATACA).
Protein change: p.Tyr146_Ile147insThrProGlnPheGlnArgLeuArgTyr.
Molecular consequence: inframe insertion. On other transcripts: inframe indel (1).
Genome position (GRCh38, 1-based): chr20:36,935,099-36,935,125, TGTATCGAAGACGTTGAAATTGAGGTG duplicated on the plus strand (CACCTCAATTTCAACGTCTTCGATACA on the coding strand, the reverse complement: SAMHD1 is on the minus strand); duplicating any 27 consecutive bases within chr20:36,935,099-36,935,126 gives the same sequence; the c. name uses the placement nearest the transcript's 3' end. VCF-style (leftmost placement, unchanged base first): chr20-36935098-A-ATGTATCGAAGACGTTGAAATTGAGGTG. GRCh37 (hg19) VCF-style: chr20-35563501-A-ATGTATCGAAGACGTTGAAATTGAGGTG.
Other names: c.413_439dup, p.Tyr146_Ile147insThrProGlnPheGlnArgLeuArgTyr (NM_001363729.2, NM_001363733.2); c.413_439dupCACCTCAATTTCAACGTCTTCGATACA (NM_015474.3).
Identifiers: ClinVar variation 4630182 (VCV004630182.1).

ClinVar aggregate classification (germline): Uncertain significance (1 of 4 stars; one submission).

Conditions:
Inborn genetic diseases. Identifiers: MedGen C0950123, MeSH D030342.

Submission:

Ambry Genetics
Classification: Uncertain significance for Inborn genetic diseases. Last evaluated: 2025-11-07. Review status: criteria provided, single submitter. Criteria: Ambry Variant Classification Scheme 2023. Collection method: clinical testing. Allele origin: germline.
Comment: The c.413_439dupCACCTCAATTTCAACGTCTTCGATACA (p.T138_Y146dup) alteration is located in exon 4 (coding exon 4) of the SAMHD1 gene. The alteration consists of an in-frame duplication of 27 nucleotides from position 413 to 439, resulting in the insertion of 9 residues. This variant was not reported in population-based cohorts in the Genome Aggregation Database (gnomAD). This variant has been identified in the homozygous state and/or in conjunction with other SAMHD1 variant(s) in individual(s) with features consistent with SAMHD1-related Aicardi-Goutieres syndrome; in at least one instance, the variants were identified in trans (Ambry internal data). These amino acid positions are well conserved in available vertebrate species. Based on internal structural analysis, this variant is anticipated to disrupt a region of known function (Buzovetsky, 2018). This alteration is predicted to be deleterious by in silico analysis (Choi, 2012). Based on insufficient or conflicting evidence, the clinical significance of this alteration remains unclear.

Literature cited by the submitters: PubMed 29379009.